The following is an entry in ClinVar:

NM_001127222.2(CACNA1A):c.2677C>T (p.Arg893Trp)

Gene: CACNA1A (calcium voltage-gated channel subunit alpha1 A; minus strand). Cytogenetic location: 19p13.13.
Variant type: single nucleotide variant.
Coding change: c.2677C>T on transcript NM_001127222.2 (MANE Select); coding-DNA position 2677, C replaced by T.
Protein change: p.Arg893Trp; replaces arginine 893 with tryptophan.
Molecular consequence: missense variant.
Genome position (GRCh38, 1-based): chr19:13,298,956, G>A on the plus strand (C>T on the coding strand, the complement: CACNA1A is on the minus strand). VCF-style: chr19-13298956-G-A. GRCh37 (hg19) VCF-style: chr19-13409770-G-A.
Other names: c.2689C>T, p.Arg897Trp (NM_000068.4, NM_023035.3); c.2680C>T, p.Arg894Trp (NM_001127221.2, NM_001174080.2); short protein forms R897W, R893W, R894W.
Identifiers: ClinVar variation 948921 (VCV000948921.13), dbSNP rs1262547488, ClinGen allele CA404342942.
Genomic context (GRCh38, chr19:13,298,956, plus strand): 5'-GTTGCTCCAGGCTGCCCTCCCGGGCGTGGTGGTCCGACTCGCGGCCGTAGGGTCCCTCCC[G>A]GCTCAGCTCGGCCTCCTGGCTTCCCGCCCAGGGCCTCCGTGCGTCCAGGCCCGCCGAGCC-3'
Protein context (NP_001120694.1, residues 883-903): WAGSQEAELS[Arg893Trp]EGPYGRESDH

ClinVar aggregate classification (germline): Conflicting classifications of pathogenicity. Review status: criteria provided, conflicting classifications (1 of 4 stars). 3 submissions from 3 submitters: Uncertain significance (2); Likely benign (1). Last evaluated 2025-10-10.

Conditions:
Inborn genetic diseases. Identifiers: MedGen C0950123, MeSH D030342.
Episodic ataxia type 2 (EA2). Also called: ATAXIA, EPISODIC, WITH NYSTAGMUS; ATAXIA, FAMILIAL PAROXYSMAL; CEREBELLAR ATAXIA, PAROXYSMAL, ACETAZOLAMIDE-RESPONSIVE; CEREBELLOPATHY, HEREDITARY PAROXYSMAL; ACETAZOLAMIDE-RESPONSIVE HEREDITARY PAROXYSMAL CEREBELLAR ATAXIA; EPISODIC ATAXIA, NYSTAGMUS-ASSOCIATED. Identifiers: Orphanet 97, MedGen C1720416, MONDO:0007163, OMIM 108500.
Developmental and epileptic encephalopathy, 42 (DEE42A). Also called: Epileptic encephalopathy, early infantile, 42; DEVELOPMENTAL AND EPILEPTIC ENCEPHALOPATHY 42A; EPILEPTIC ENCEPHALOPATHY, EARLY INFANTILE, 42A. Identifiers: MedGen C4310716, MONDO:0014917, OMIM 617106.

Allele frequency attached by ClinVar (database versions not stated): gnomAD exomes 0.00002 and 0.00003; gnomAD 0.00003 and 0.00004; TOPMed 0.00003.
gnomAD v4.1: 52 of 1,587,864 alleles (0.0033%); highest among the groups gnomAD compares: African/African-American, 0.0067%; no homozygotes.

Submissions (3):

Labcorp Genetics (formerly Invitae), Labcorp
Classification: Likely benign for Developmental and epileptic encephalopathy, 42; Episodic ataxia type 2. Last evaluated: 2025-10-10. Review status: criteria provided, single submitter. Criteria: Invitae Variant Classification Sherloc (09022015). Collection method: clinical testing. Allele origin: germline.

Blueprint Genetics
Classification: Uncertain significance. Last evaluated: 2021-06-01. Review status: criteria provided, single submitter. Criteria: ACMG Guidelines, 2015. Collection method: clinical testing. Allele origin: germline.

Ambry Genetics
Classification: Uncertain significance for Inborn genetic diseases. Last evaluated: 2017-05-31. Review status: criteria provided, single submitter. Criteria: Ambry Variant Classification Scheme 2023. Collection method: clinical testing. Allele origin: germline.
Comment: The p.R894W variant (also known as c.2680C>T), located in coding exon 19 of the CACNA1A gene, results from a C to T substitution at nucleotide position 2680. The arginine at codon 894 is replaced by tryptophan, an amino acid with dissimilar properties. This amino acid position is not well conserved in available vertebrate species. In addition, the in silico prediction for this alteration is inconclusive. Since supporting evidence is limited at this time, the clinical significance of this alteration remains unclear.